The following is an entry in ClinVar:

NM_001447.3(FAT2):c.764C>A (p.Ala255Asp)

Gene: FAT2 (FAT atypical cadherin 2; minus strand). Cytogenetic location: 5q33.1.
Variant type: single nucleotide variant.
Coding change: c.764C>A on transcript NM_001447.3 (MANE Select); coding-DNA position 764, C replaced by A.
Protein change: p.Ala255Asp; replaces alanine 255 with aspartic acid.
Molecular consequence: missense variant.
Genome position (GRCh38, 1-based): chr5:151,568,168, G>T on the plus strand (C>A on the coding strand, the complement: FAT2 is on the minus strand). VCF-style: chr5-151568168-G-T. GRCh37 (hg19) VCF-style: chr5-150947729-G-T.
Other names: short protein forms A255D.
Identifiers: ClinVar variation 3667199 (VCV003667199.2).

ClinVar aggregate classification (germline): Uncertain significance (1 of 4 stars; one submission).

gnomAD v4.1: 2 of 1,614,124 alleles (0.00012%); highest among the groups gnomAD compares: Admixed American, 0.0033%; no homozygotes.

Submission:

Labcorp Genetics (formerly Invitae), Labcorp
Classification: Uncertain significance. Last evaluated: 2024-02-02. Review status: criteria provided, single submitter. Criteria: Invitae Variant Classification Sherloc (09022015). Collection method: clinical testing. Allele origin: germline.
Comment: This sequence change replaces alanine, which is neutral and non-polar, with aspartic acid, which is acidic and polar, at codon 255 of the FAT2 protein (p.Ala255Asp). This variant is present in population databases (no rsID available, gnomAD 0.006%). This variant has not been reported in the literature in individuals affected with FAT2-related conditions. An algorithm developed to predict the effect of missense changes on protein structure and function (PolyPhen-2) suggests that this variant is likely to be tolerated. In summary, the available evidence is currently insufficient to determine the role of this variant in disease. Therefore, it has been classified as a Variant of Uncertain Significance.